The following is an entry in ClinVar:

ClinVar aggregate classification (germline): Uncertain significance (1 of 4 stars; one submission).

Conditions:
Koolen-de Vries syndrome (KDVS). Identifiers: Orphanet 96169, MedGen C1864871, MONDO:0012496, OMIM 610443.

Submission:

Labcorp Genetics (formerly Invitae), Labcorp
Classification: Uncertain significance for Koolen-de Vries syndrome. Last evaluated: 2022-05-04. Review status: criteria provided, single submitter. Criteria: Invitae Variant Classification Sherloc (09022015). Collection method: clinical testing. Allele origin: germline.
Comment: Algorithms developed to predict the effect of missense changes on protein structure and function (SIFT, PolyPhen-2, Align-GVGD) all suggest that this variant is likely to be tolerated. In summary, the available evidence is currently insufficient to determine the role of this variant in disease. Therefore, it has been classified as a Variant of Uncertain Significance. This variant has not been reported in the literature in individuals affected with KANSL1-related conditions. This variant is not present in population databases (gnomAD no frequency). This sequence change replaces valine, which is neutral and non-polar, with alanine, which is neutral and non-polar, at codon 611 of the KANSL1 protein (p.Val611Ala).

NM_015443.4(KANSL1):c.1832T>C (p.Val611Ala)

Gene: KANSL1 (KAT8 regulatory NSL complex subunit 1). Cytogenetic location: 17q21.31.
Variant type: single nucleotide variant.
Coding change: c.1832T>C on transcript NM_015443.4 (MANE Select); coding-DNA position 1832, T replaced by C.
Protein change: p.Val611Ala; replaces valine 611 with alanine.
Molecular consequence: missense variant.
Genome position (GRCh38, 1-based): chr17:46,066,553, A>G on the plus strand (T>C on the coding strand, the complement: KANSL1 is on the minus strand). VCF-style: chr17-46066553-A-G. GRCh37 (hg19) VCF-style: chr17-44143919-A-G.
Other names: c.1832T>C, p.Val611Ala (NM_001193465.2, NM_001193466.2, NM_001379198.1 and 14 more transcripts); c.1730T>C, p.Val577Ala (NM_001405859.1, NM_001405860.1, NM_001405861.1 and 1 more transcripts); c.566T>C, p.Val189Ala (NM_001405882.1, NM_001405883.1, NM_001405884.1 and 1 more transcripts); short protein forms V577A, V189A, V611A.
Identifiers: ClinVar variation 2112391 (VCV002112391.4), dbSNP rs2510756848, ClinGen allele CA399986240.